The following is an entry in ClinVar:

NM_001367624.2(ZNF469):c.4575T>A (p.Ser1525Arg)

Gene: ZNF469 (zinc finger protein 469; plus strand). Cytogenetic location: 16q24.2.
Variant type: single nucleotide variant.
Coding change: c.4575T>A on transcript NM_001367624.2 (MANE Select); coding-DNA position 4575, T replaced by A.
Protein change: p.Ser1525Arg; replaces serine 1525 with arginine.
Molecular consequence: missense variant.
Genome position (GRCh38, 1-based): chr16:88,432,045, T>A. VCF-style: chr16-88432045-T-A. GRCh37 (hg19) VCF-style: chr16-88498453-T-A.
Other names: NM_001127464.1:c.4491T>A; short protein forms S1525R.
Identifiers: ClinVar variation 3258261 (VCV003258261.1).

ClinVar aggregate classification (germline): Uncertain significance (1 of 4 stars; one submission).

Conditions:
Cardiovascular phenotype. Identifiers: MedGen CN230736.

Submission:

Ambry Genetics
Classification: Uncertain significance for Cardiovascular phenotype. Last evaluated: 2024-05-11. Review status: criteria provided, single submitter. Criteria: Ambry Variant Classification Scheme 2023. Collection method: clinical testing. Allele origin: germline.
Comment: The p.S1497R variant (also known as c.4491T>A), located in coding exon 2 of the ZNF469 gene, results from a T to A substitution at nucleotide position 4491. The serine at codon 1497 is replaced by arginine, an amino acid with dissimilar properties. This amino acid position is conserved. In addition, this alteration is predicted to be tolerated by in silico analysis. Based on the available evidence, the clinical significance of this variant remains unclear.